The following is an entry in ClinVar:

NM_000169.3(GLA):c.547+51A>C

Genes: GLA (galactosidase alpha; minus strand), RPL36A-HNRNPH2 (RPL36A-HNRNPH2 readthrough; plus strand). Cytogenetic location: Xq22.1.
Variant type: single nucleotide variant.
Coding change: c.547+51A>C on transcript NM_000169.3 (MANE Select); 51 bases into the intron after coding-DNA position 547, A replaced by C.
Molecular consequence: intron variant. On other transcripts: missense variant (1).
Genome position (GRCh38, 1-based): chrX:101,401,581, T>G on the plus strand (A>C on the coding strand, the complement: GLA is on the minus strand). VCF-style: chrX-101401581-T-G. GRCh37 (hg19) VCF-style: chrX-100656569-T-G.
Other names: c.721A>C, p.Met241Leu (NM_001406749.1); c.300+6124T>G (NM_001199973.2); c.177+9759T>G (NM_001199974.2); c.670+51A>C (NM_001406747.1); c.547+51A>C (NM_001406748.1); short protein forms M241L.
Identifiers: ClinVar variation 4987401 (VCV004987401.1).

ClinVar aggregate classification (germline): Likely benign (1 of 4 stars; one submission).

Conditions:
GLA-related disorder. Also called: GLA-related condition.

gnomAD v4.1: 46 of 1,043,592 alleles (0.0044%); highest among the groups gnomAD compares: Admixed American, 0.099%; no homozygotes.

Submission:

PreventionGenetics, part of Exact Sciences
Classification: Likely benign for GLA-related condition. Last evaluated: 2026-04-29. Review status: criteria provided, single submitter. Criteria: ACMG Guidelines, 2015. Collection method: clinical testing. Allele origin: germline.
Comment: This variant is classified as likely benign based on ACMG/AMP sequence variant interpretation guidelines (Richards et al. 2015 PMID: 25741868, with internal and published modifications).